The following is an entry in ClinVar:

ClinVar aggregate classification (germline): Uncertain significance (1 of 4 stars; one submission).

Conditions:
Hereditary cancer-predisposing syndrome. Also called: Neoplastic Syndromes, Hereditary; Hereditary neoplastic syndrome; Tumor predisposition; Hereditary Cancer Syndrome. Identifiers: Orphanet 140162, MedGen C0027672, MeSH D009386, MONDO:0015356.

Submission:

Ambry Genetics
Classification: Uncertain significance for Hereditary cancer-predisposing syndrome. Last evaluated: 2022-12-29. Review status: criteria provided, single submitter. Criteria: Ambry Variant Classification Scheme 2023. Collection method: clinical testing. Allele origin: germline.
Comment: The p.L6V variant (also known as c.16C>G), located in coding exon 1 of the SMARCB1 gene, results from a C to G substitution at nucleotide position 16. The leucine at codon 6 is replaced by valine, an amino acid with highly similar properties. This amino acid position is highly conserved in available vertebrate species. In addition, the in silico prediction for this alteration is inconclusive. Since supporting evidence is limited at this time, the clinical significance of this alteration remains unclear.

NM_003073.5(SMARCB1):c.16C>G (p.Leu6Val)

Gene: SMARCB1 (SWI/SNF related BAF chromatin remodeling complex subunit B1; plus strand). Cytogenetic location: 22q11.23.
Variant type: single nucleotide variant.
Coding change: c.16C>G on transcript NM_003073.5 (MANE Select); coding-DNA position 16, C replaced by G.
Protein change: p.Leu6Val; replaces leucine 6 with valine.
Molecular consequence: missense variant.
Genome position (GRCh38, 1-based): chr22:23,787,185, C>G. VCF-style: chr22-23787185-C-G. GRCh37 (hg19) VCF-style: chr22-24129372-C-G.
Other names: c.16C>G, p.Leu6Val (NM_001007468.3, NM_001317946.2, NM_001362877.2); short protein forms L6V.
Identifiers: ClinVar variation 2482351 (VCV002482351.2), dbSNP rs2517652477, ClinGen allele CA410930481.